The following is an entry in ClinVar:

NM_000297.4(PKD2):c.146A>G (p.Gln49Arg)

Genes: PKD2 (polycystin 2, transient receptor potential cation channel; plus strand), LOC129992813 (ATAC-STARR-seq lymphoblastoid silent region 15559; plus strand). Cytogenetic location: 4q22.1.
Variant type: single nucleotide variant.
Coding change: c.146A>G on transcript NM_000297.4 (MANE Select); coding-DNA position 146, A replaced by G.
Protein change: p.Gln49Arg; replaces glutamine 49 with arginine.
Molecular consequence: missense variant. On other transcripts: non-coding transcript variant (1).
Genome position (GRCh38, 1-based): chr4:88,007,879, A>G. VCF-style: chr4-88007879-A-G. GRCh37 (hg19) VCF-style: chr4-88929031-A-G.
Other names: short protein forms Q49R.
Identifiers: ClinVar variation 1979191 (VCV001979191.4), dbSNP rs2476356967, ClinGen allele CA357625435.

ClinVar aggregate classification (germline): Uncertain significance (1 of 4 stars; one submission).

Conditions:
Autosomal dominant polycystic kidney disease. Identifiers: Orphanet 730, MedGen C0085413, MONDO:0004691.

Allele frequency attached by ClinVar (database versions not stated): gnomAD exomes below 0.00001.
gnomAD v4.1: 2 of 1,316,124 alleles (0.00015%); highest among the groups gnomAD compares: Non-Finnish European, 0.00019%; no homozygotes.

Submission:

Labcorp Genetics (formerly Invitae), Labcorp
Classification: Uncertain significance for Autosomal dominant polycystic kidney disease. Last evaluated: 2022-07-23. Review status: criteria provided, single submitter. Criteria: Invitae Variant Classification Sherloc (09022015). Collection method: clinical testing. Allele origin: germline.
Comment: This variant has not been reported in the literature in individuals affected with PKD2-related conditions. Algorithms developed to predict the effect of missense changes on protein structure and function (SIFT, PolyPhen-2, Align-GVGD) all suggest that this variant is likely to be tolerated. This sequence change replaces glutamine, which is neutral and polar, with arginine, which is basic and polar, at codon 49 of the PKD2 protein (p.Gln49Arg). This variant is not present in population databases (gnomAD no frequency). In summary, the available evidence is currently insufficient to determine the role of this variant in disease. Therefore, it has been classified as a Variant of Uncertain Significance.